The following is an entry in ClinVar:

ClinVar aggregate classification (germline): Conflicting classifications of pathogenicity. Review status: criteria provided, conflicting classifications (1 of 4 stars). 2 submissions from 2 submitters: Pathogenic (1); Uncertain significance (1). Last evaluated 2026-09-17.

Conditions:
Age related macular degeneration 4. Identifiers: MedGen C1853147, MONDO:0012540, OMIM 610698.

Submissions (2):

Genomenon, Inc
Classification: Pathogenic for Age related macular degeneration 4. Last evaluated: 2026-09-17. Review status: criteria provided, single submitter. Criteria: Genomenon Sequence Variant Interpretation Standards - Updated. Collection method: curation. Allele origin: germline. Affected: yes.
Comment: CFH p.Arg175Gln (c.524G>A) is a missense variant that changes the amino acid at codon 175 from arginine to glutamine. This variant has been observed in at least one proband affected with age-related macular degeneration (PMID: 34945728; 34508573; 32246154). The variant was found to segregate with disease in at least one affected family (PMID: 34508573; 32246154). At least one functional study has demonstrated a substantial alteration in protein function relative to the wild-type (PMID: 36445700). It is absent or not present at a significant frequency in gnomAD. In silico models predict that this variant is possibly or probably damaging. In conclusion, we classify CFH p.Arg175Gln (c.524G>A) as a pathogenic variant.

Labcorp Genetics (formerly Invitae), Labcorp
Classification: Uncertain significance. Last evaluated: 2025-10-15. Review status: criteria provided, single submitter. Criteria: Invitae Variant Classification Sherloc (09022015). Collection method: clinical testing. Allele origin: germline.
Comment: This sequence change replaces arginine, which is basic and polar, with glutamine, which is neutral and polar, at codon 175 of the CFH protein (p.Arg175Gln). This variant is not present in population databases (gnomAD no frequency). This missense change has been observed in individual(s) with age-related macular degeneration (PMID: 25814826, 29888403, 34508573). An algorithm developed to predict the effect of missense changes on protein structure and function outputs the following: PolyPhen-2: "Benign". The glutamine amino acid residue is found in multiple mammalian species, which suggests that this missense change does not adversely affect protein function. In summary, the available evidence is currently insufficient to determine the role of this variant in disease. Therefore, it has been classified as a Variant of Uncertain Significance.

Literature cited by the submitters: PubMed 34945728 (cited by Genomenon, Inc); PubMed 34508573 (cited by Genomenon, Inc and Labcorp Genetics (formerly Invitae), Labcorp); PubMed 32246154 (cited by Genomenon, Inc); PubMed 36445700 (cited by Genomenon, Inc); PubMed 25814826 (cited by Labcorp Genetics (formerly Invitae), Labcorp); PubMed 29888403 (cited by Labcorp Genetics (formerly Invitae), Labcorp).

NM_000186.4(CFH):c.524G>A (p.Arg175Gln)

Gene: CFH (complement factor H; plus strand). Cytogenetic location: 1q31.3.
Variant type: single nucleotide variant.
Coding change: c.524G>A on transcript NM_000186.4 (MANE Select); coding-DNA position 524, G replaced by A.
Protein change: p.Arg175Gln; replaces arginine 175 with glutamine.
Molecular consequence: missense variant.
Genome position (GRCh38, 1-based): chr1:196,677,572, G>A. VCF-style: chr1-196677572-G-A. GRCh37 (hg19) VCF-style: chr1-196646702-G-A.
Other names: c.524G>A, p.Arg175Gln (NM_001014975.3); short protein forms R175Q.
Identifiers: ClinVar variation 4291293 (VCV004291293.3).